The following is an entry in ClinVar:

ClinVar aggregate classification (germline): Uncertain significance (1 of 4 stars; one submission).

Conditions:
DICER1-related tumor predisposition. Also called: DICER1-related pleuropulmonary blastoma cancer predisposition syndrome; DICER1 syndrome. Identifiers: Orphanet 284343, MedGen C3839822, MONDO:0100216.

Submission:

Labcorp Genetics (formerly Invitae), Labcorp
Classification: Uncertain significance for DICER1-related tumor predisposition. Last evaluated: 2023-02-10. Review status: criteria provided, single submitter. Criteria: Invitae Variant Classification Sherloc (09022015). Collection method: clinical testing. Allele origin: germline.
Comment: This sequence change replaces phenylalanine, which is neutral and non-polar, with isoleucine, which is neutral and non-polar, at codon 920 of the DICER1 protein (p.Phe920Ile). This variant is not present in population databases (gnomAD no frequency). This variant has not been reported in the literature in individuals affected with DICER1-related conditions. Advanced modeling of protein sequence and biophysical properties (such as structural, functional, and spatial information, amino acid conservation, physicochemical variation, residue mobility, and thermodynamic stability) has been performed at Invitae for this missense variant, however the output from this modeling did not meet the statistical confidence thresholds required to predict the impact of this variant on DICER1 protein function. In summary, the available evidence is currently insufficient to determine the role of this variant in disease. Therefore, it has been classified as a Variant of Uncertain Significance.

NM_177438.3(DICER1):c.2758T>A (p.Phe920Ile)

Gene: DICER1 (dicer 1, ribonuclease III; minus strand). Cytogenetic location: 14q32.13.
Variant type: single nucleotide variant.
Coding change: c.2758T>A on transcript NM_177438.3 (MANE Select); coding-DNA position 2758, T replaced by A.
Protein change: p.Phe920Ile; replaces phenylalanine 920 with isoleucine.
Molecular consequence: missense variant. On other transcripts: non-coding transcript variant (6).
Genome position (GRCh38, 1-based): chr14:95,107,654, A>T on the plus strand (T>A on the coding strand, the complement: DICER1 is on the minus strand). VCF-style: chr14-95107654-A-T. GRCh37 (hg19) VCF-style: chr14-95573991-A-T.
Other names: c.2758T>A, p.Phe920Ile (NM_001195573.1, NM_001271282.3, NM_001291628.2 and 13 more transcripts); c.2476T>A, p.Phe826Ile (NM_001395686.1); c.2353T>A, p.Phe785Ile (NM_001395687.1, NM_001395688.1, NM_001395689.1 and 2 more transcripts); c.2191T>A, p.Phe731Ile (NM_001395691.1); c.1075T>A, p.Phe359Ile (NM_001395697.1); short protein forms F359I, F731I, F785I, F826I, F920I.
Identifiers: ClinVar variation 2836012 (VCV002836012.3), dbSNP rs2542829196, ClinGen allele CA390879507.